The following is an entry in ClinVar:

NM_030665.4(RAI1):c.609C>G (p.Phe203Leu)

Gene: RAI1 (retinoic acid induced 1; plus strand). Cytogenetic location: 17p11.2.
Variant type: single nucleotide variant.
Coding change: c.609C>G on transcript NM_030665.4 (MANE Select); coding-DNA position 609, C replaced by G.
Protein change: p.Phe203Leu; replaces phenylalanine 203 with leucine.
Molecular consequence: missense variant.
Genome position (GRCh38, 1-based): chr17:17,793,557, C>G. VCF-style: chr17-17793557-C-G. GRCh37 (hg19) VCF-style: chr17-17696871-C-G.
Other names: short protein forms F203L.
Identifiers: ClinVar variation 2890147 (VCV002890147.3), dbSNP rs760646077, ClinGen allele CA8418158.

ClinVar aggregate classification (germline): Uncertain significance (1 of 4 stars; one submission).

Submission:

Labcorp Genetics (formerly Invitae), Labcorp
Classification: Uncertain significance. Last evaluated: 2026-01-08. Review status: criteria provided, single submitter. Criteria: Invitae Variant Classification Sherloc (09022015). Collection method: clinical testing. Allele origin: germline.
Comment: This sequence change replaces phenylalanine, which is neutral and non-polar, with leucine, which is neutral and non-polar, at codon 203 of the RAI1 protein (p.Phe203Leu). This variant is present in population databases (rs760646077, gnomAD 0.0009%). This variant has not been reported in the literature in individuals affected with RAI1-related conditions. ClinVar contains an entry for this variant (Variation ID: 2890147). Invitae Evidence Modeling of protein sequence and biophysical properties (such as structural, functional, and spatial information, amino acid conservation, physicochemical variation, residue mobility, and thermodynamic stability) has been performed for this missense variant. However, the output from this modeling did not meet the statistical confidence thresholds required to predict the impact of this variant on RAI1 protein function. In summary, the available evidence is currently insufficient to determine the role of this variant in disease. Therefore, it has been classified as a Variant of Uncertain Significance.